The following is an entry in ClinVar:

NM_030578.4(B9D2):c.374G>A (p.Arg125Gln)

Gene: B9D2 (B9 domain containing 2; minus strand). Cytogenetic location: 19q13.2.
Variant type: single nucleotide variant.
Coding change: c.374G>A on transcript NM_030578.4 (MANE Select); coding-DNA position 374, G replaced by A.
Protein change: p.Arg125Gln; replaces arginine 125 with glutamine.
Molecular consequence: missense variant.
Genome position (GRCh38, 1-based): chr19:41,354,854, C>T on the plus strand (G>A on the coding strand, the complement: B9D2 is on the minus strand). VCF-style: chr19-41354854-C-T. GRCh37 (hg19) VCF-style: chr19-41860759-C-T.
Other names: c.374G>A (NM_030578.3); short protein forms R125Q.
Identifiers: ClinVar variation 1409600 (VCV001409600.8), dbSNP rs1054797, ClinGen allele CA9460267.

ClinVar aggregate classification (germline): Conflicting classifications of pathogenicity. Review status: criteria provided, conflicting classifications (1 of 4 stars). 4 submissions from 4 submitters: Uncertain significance (3); Likely benign (1). Last evaluated 2026-04-14.

Conditions:
B9D2-related disorder. Also called: B9D2-related condition.
Meckel-Gruber syndrome. Also called: DYSENCEPHALIA SPLANCHNOCYSTICA; GRUBER SYNDROME; Dysencephalia splachnocystica. Identifiers: Orphanet 564, MedGen C0265215, MONDO:0018921.
Joubert syndrome. Also called: JOUBERT-BOLTSHAUSER SYNDROME; Familial aplasia of the vermis. Identifiers: Orphanet 475, MedGen C5979921, MONDO:0018772.

Allele frequency attached by ClinVar (database versions not stated): gnomAD 0.00003; gnomAD exomes 0.00005 and 0.00013; TOPMed 0.00007; ExAC 0.00013.
gnomAD v4.1: 77 of 1,613,836 alleles (0.0048%); highest among the groups gnomAD compares: Admixed American, 0.052%; no homozygotes.

Submissions (4):

PreventionGenetics, part of Exact Sciences
Classification: Uncertain significance for B9D2-related condition. Last evaluated: 2026-04-14. Review status: criteria provided, single submitter. Criteria: ACMG Guidelines, 2015. Collection method: clinical testing. Allele origin: germline.
Comment: The B9D2 c.374G>A variant is predicted to result in the amino acid substitution p.Arg125Gln. To our knowledge, this variant has not been reported in the literature. This variant is reported in 0.065% of alleles in individuals of Latino descent in gnomAD, which is likely too common to be a primary cause of disease. At this time, the clinical significance of this variant is uncertain due to the absence of conclusive functional and genetic evidence.

GeneDx
Classification: Uncertain significance. Last evaluated: 2025-07-10. Review status: criteria provided, single submitter. Criteria: GeneDx Variant Classification Process June 2021. Collection method: clinical testing. Allele origin: germline. Affected: yes.
Comment: In silico analysis suggests that this missense variant does not alter protein structure/function; Has not been previously published as pathogenic or benign to our knowledge

Labcorp Genetics (formerly Invitae), Labcorp
Classification: Uncertain significance for Joubert syndrome; Meckel-Gruber syndrome. Last evaluated: 2023-10-13. Review status: criteria provided, single submitter. Criteria: Invitae Variant Classification Sherloc (09022015). Collection method: clinical testing. Allele origin: germline.
Comment: This sequence change replaces arginine, which is basic and polar, with glutamine, which is neutral and polar, at codon 125 of the B9D2 protein (p.Arg125Gln). This variant is present in population databases (rs1054797, gnomAD 0.07%). This variant has not been reported in the literature in individuals affected with B9D2-related conditions. ClinVar contains an entry for this variant (Variation ID: 1409600). An algorithm developed to predict the effect of missense changes on protein structure and function (PolyPhen-2) suggests that this variant¬¨‚Ä†is likely to be tolerated. In summary, the available evidence is currently insufficient to determine the role of this variant in disease. Therefore, it has been classified as a Variant of Uncertain Significance.

Blueprint Genetics
Classification: Likely benign. Last evaluated: 2022-11-21. Review status: criteria provided, single submitter. Criteria: ACMG Guidelines, 2015. Collection method: clinical testing. Allele origin: germline.